The following is an entry in ClinVar:

ClinVar aggregate classification (germline): Likely benign (1 of 4 stars; one submission).

Submission:

CeGaT Center for Human Genetics Tuebingen
Classification: Likely benign. Last evaluated: 2024-03-01. Review status: criteria provided, single submitter. Criteria: CeGaT Center For Human Genetics Tuebingen Variant Classification Criteria Version 2. Collection method: clinical testing. Allele origin: germline. Affected: yes. Observed: 1 variant allele.
Comment: MTMR14: PM2:Supporting, BP4, BP7

NM_001077525.3(MTMR14):c.1083T>G (p.Thr361=)

Gene: MTMR14 (myotubularin related protein 14; plus strand). Cytogenetic location: 3p25.3.
Variant type: single nucleotide variant.
Coding change: c.1083T>G on transcript NM_001077525.3 (MANE Select); coding-DNA position 1083, T replaced by G.
Protein change: p.Thr361=; no amino-acid change (threonine 361 retained).
Molecular consequence: synonymous variant. On other transcripts: non-coding transcript variant (9).
Genome position (GRCh38, 1-based): chr3:9,684,920, T>G. VCF-style: chr3-9684920-T-G. GRCh37 (hg19) VCF-style: chr3-9726604-T-G.
Other names: c.1083T>G, p.Thr361= (NM_022485.5, NM_001077526.3); c.1152T>G, p.Thr384= (NM_001400518.1, NM_001400521.1); c.1080T>G, p.Thr360= (NM_001400519.1, NM_001400522.1); c.1008T>G, p.Thr336= (NM_001400520.1, NM_001400523.1, NM_001400528.1); c.837T>G, p.Thr279= (NM_001400524.1, NM_001400527.1, NM_001400530.1); c.801T>G, p.Thr267= (NM_001400525.1, NM_001400529.1, NM_001400532.1); c.1077T>G, p.Thr359= (NM_001400526.1); c.834T>G, p.Thr278= (NM_001400531.1); and 5 more.
Identifiers: ClinVar variation 3234291 (VCV003234291.20), dbSNP rs1343386667, ClinGen allele CA432367903.